The following is an entry in ClinVar:

ClinVar aggregate classification (germline): Likely pathogenic (1 of 4 stars; one submission).

Submission:

Labcorp Genetics (formerly Invitae), Labcorp
Classification: Likely pathogenic. Last evaluated: 2021-10-05. Review status: criteria provided, single submitter. Criteria: Invitae Variant Classification Sherloc (09022015). Collection method: clinical testing. Allele origin: germline.
Comment: This variant has not been reported in the literature in individuals affected with HPS1-related conditions. In summary, the currently available evidence indicates that the variant is pathogenic, but additional data are needed to prove that conclusively. Therefore, this variant has been classified as Likely Pathogenic. Algorithms developed to predict the effect of sequence changes on RNA splicing suggest that this variant may disrupt the consensus splice site. This variant is not present in population databases (ExAC no frequency). This sequence change affects a donor splice site in intron 11 of the HPS1 gene. It is expected to disrupt RNA splicing. Variants that disrupt the donor or acceptor splice site typically lead to a loss of protein function (PMID: 16199547), and loss-of-function variants in HPS1 are known to be pathogenic (PMID: 12442288, 16185271).

Literature cited by the submitters: PubMed 16199547; PubMed 12442288; PubMed 16185271.

NM_000195.5(HPS1):c.987+1G>T

Gene: HPS1 (HPS1 biogenesis of lysosomal organelles complex 3 subunit 1; minus strand). Cytogenetic location: 10q24.2.
Variant type: single nucleotide variant.
Coding change: c.987+1G>T on transcript NM_000195.5 (MANE Select); the canonical splice donor site of the intron after coding-DNA position 987, G replaced by T.
Molecular consequence: splice donor variant.
Genome position (GRCh38, 1-based): chr10:98,427,214, C>A on the plus strand (G>T on the coding strand, the complement: HPS1 is on the minus strand). VCF-style: chr10-98427214-C-A. GRCh37 (hg19) VCF-style: chr10-100186971-C-A.
Other names: c.618+1G>T (NM_001322483.2, NM_001322484.2); c.726+1G>T (NM_001322480.2, NM_001322481.2); c.888+1G>T (NM_001322478.2, NM_001322479.2); c.987+1G>T (NM_001322476.2, NM_001322477.2); c.519+1G>T (NM_001322485.2); c.627+1G>T (NM_001322482.2); c.15+1G>T (NM_001322489.2, NM_001311345.2, NM_001322487.2).
Identifiers: ClinVar variation 1520637 (VCV001520637.6), dbSNP rs913991716, ClinGen allele CA378049423.